The following is an entry in ClinVar:

NM_003985.6(TNK1):c.832G>A (p.Val278Ile)

Genes: TNK1 (tyrosine kinase non receptor 1; plus strand), LOC130060140 (ATAC-STARR-seq lymphoblastoid silent region 8114; plus strand). Cytogenetic location: 17p13.1.
Variant type: single nucleotide variant.
Coding change: c.832G>A on transcript NM_003985.6 (MANE Select); coding-DNA position 832, G replaced by A.
Protein change: p.Val278Ile; replaces valine 278 with isoleucine.
Molecular consequence: missense variant.
Genome position (GRCh38, 1-based): chr17:7,384,219, G>A. VCF-style: chr17-7384219-G-A. GRCh37 (hg19) VCF-style: chr17-7287538-G-A.
Other names: c.832G>A, p.Val278Ile (NM_001251902.3); short protein forms V278I.
Identifiers: ClinVar variation 3039417 (VCV003039417.2), dbSNP rs55939858, ClinGen allele CA8345033.

ClinVar aggregate classification (germline): Benign (0 of 4 stars; one submission).

Conditions:
TNK1-related disorder. Also called: TNK1-related condition.

Allele frequency attached by ClinVar (database versions not stated): TOPMed 0.00292; gnomAD 0.00470; ExAC 0.00690; 1000 Genomes Project 30x 0.00859; 1000 Genomes Project 0.00879.
gnomAD v4.1: 5,041 of 1,513,094 alleles (0.33%); highest among the groups gnomAD compares: East Asian, 6.7%; 145 homozygotes.

Submission:

PreventionGenetics, part of Exact Sciences
Classification: Benign for TNK1-related condition. Last evaluated: 2019-03-20. Review status: no assertion criteria provided. Collection method: clinical testing. Allele origin: germline.
Comment: This variant is classified as benign based on ACMG/AMP sequence variant interpretation guidelines (Richards et al. 2015 PMID: 25741868, with internal and published modifications).